The following is an entry in ClinVar:

ClinVar aggregate classification (germline): Uncertain significance (1 of 4 stars; one submission).

Conditions:
Inborn genetic diseases. Identifiers: MedGen C0950123, MeSH D030342.

Submission:

Ambry Genetics
Classification: Uncertain significance for Inborn genetic diseases. Last evaluated: 2025-12-07. Review status: criteria provided, single submitter. Criteria: Ambry Variant Classification Scheme 2023. Collection method: clinical testing. Allele origin: germline.
Comment: The p.K21R variant (also known as c.62A>G), located in coding exon 1 of the SAMD9L gene, results from an A to G substitution at nucleotide position 62. The lysine at codon 21 is replaced by arginine, an amino acid with highly similar properties. This amino acid position is conserved. In addition, this alteration is predicted to be tolerated by in silico analysis. Based on the available evidence, the clinical significance of this variant remains unclear.

NM_152703.5(SAMD9L):c.62A>G (p.Lys21Arg)

Gene: SAMD9L (sterile alpha motif domain containing 9 like; minus strand). Cytogenetic location: 7q21.2.
Variant type: single nucleotide variant.
Coding change: c.62A>G on transcript NM_152703.5 (MANE Select); coding-DNA position 62, A replaced by G.
Protein change: p.Lys21Arg; replaces lysine 21 with arginine.
Molecular consequence: missense variant.
Genome position (GRCh38, 1-based): chr7:93,135,910, T>C on the plus strand (A>G on the coding strand, the complement: SAMD9L is on the minus strand). VCF-style: chr7-93135910-T-C. GRCh37 (hg19) VCF-style: chr7-92765223-T-C.
Other names: c.62A>G, p.Lys21Arg (NM_001303496.3, NM_001303497.3, NM_001303498.3 and 5 more transcripts); short protein forms K21R.
Identifiers: ClinVar variation 4630163 (VCV004630163.1).